The following is an entry in ClinVar:

ClinVar aggregate classification (germline): Uncertain significance (1 of 4 stars; one submission).

Conditions:
Renal cell carcinoma. Identifiers: Orphanet 217071, MedGen C0007134, MeSH D002292, MONDO:0005086, HP:0005584.

Submission:

Labcorp Genetics (formerly Invitae), Labcorp
Classification: Uncertain significance for Renal cell carcinoma. Last evaluated: 2024-06-04. Review status: criteria provided, single submitter. Criteria: Invitae Variant Classification Sherloc (09022015). Collection method: clinical testing. Allele origin: germline.
Comment: This sequence change falls in intron 16 of the MET gene. It does not directly change the encoded amino acid sequence of the MET protein. This variant is not present in population databases (gnomAD no frequency). This variant has not been reported in the literature in individuals affected with MET-related conditions. Algorithms developed to predict the effect of sequence changes on RNA splicing suggest that this variant may disrupt the consensus splice site. In summary, the available evidence is currently insufficient to determine the role of this variant in disease. Therefore, it has been classified as a Variant of Uncertain Significance.

NM_000245.4(MET):c.3341-6T>G

Gene: MET (MET proto-oncogene, receptor tyrosine kinase; plus strand). Cytogenetic location: 7q31.2.
Variant type: single nucleotide variant.
Coding change: c.3341-6T>G on transcript NM_000245.4 (MANE Select); 6 bases into the intron before coding-DNA position 3341, T replaced by G.
Molecular consequence: intron variant.
Genome position (GRCh38, 1-based): chr7:116,778,770, T>G. VCF-style: chr7-116778770-T-G. GRCh37 (hg19) VCF-style: chr7-116418824-T-G.
Other names: c.3395-6T>G (NM_001127500.3); c.2051-6T>G (NM_001324402.2).
Identifiers: ClinVar variation 3655435 (VCV003655435.2).